The following is an entry in ClinVar:

ClinVar aggregate classification (germline): Uncertain significance (1 of 4 stars; one submission).

Allele frequency attached by ClinVar (database versions not stated): TOPMed below 0.00001; gnomAD 0.00001.
gnomAD v4.1: 8 of 1,613,362 alleles (0.0005%); highest among the groups gnomAD compares: African/African-American, 0.0013%; no homozygotes.

Submission:

Labcorp Genetics (formerly Invitae), Labcorp
Classification: Uncertain significance. Last evaluated: 2024-11-19. Review status: criteria provided, single submitter. Criteria: Invitae Variant Classification Sherloc (09022015). Collection method: clinical testing. Allele origin: germline.
Comment: This sequence change replaces arginine, which is basic and polar, with glutamine, which is neutral and polar, at codon 524 of the COL11A1 protein (p.Arg524Gln). This variant is not present in population databases (gnomAD no frequency). This variant has not been reported in the literature in individuals affected with COL11A1-related conditions. ClinVar contains an entry for this variant (Variation ID: 1442048). An algorithm developed to predict the effect of missense changes on protein structure and function (PolyPhen-2) suggests that this variant is likely to be disruptive. In summary, the available evidence is currently insufficient to determine the role of this variant in disease. Therefore, it has been classified as a Variant of Uncertain Significance.

NM_001854.4(COL11A1):c.1571G>A (p.Arg524Gln)

Gene: COL11A1 (collagen type XI alpha 1 chain; minus strand). Cytogenetic location: 1p21.1.
Variant type: single nucleotide variant.
Coding change: c.1571G>A on transcript NM_001854.4 (MANE Select); coding-DNA position 1571, G replaced by A.
Protein change: p.Arg524Gln; replaces arginine 524 with glutamine.
Molecular consequence: missense variant. On other transcripts: non-coding transcript variant (1).
Genome position (GRCh38, 1-based): chr1:103,014,512, C>T on the plus strand (G>A on the coding strand, the complement: COL11A1 is on the minus strand). VCF-style: chr1-103014512-C-T. GRCh37 (hg19) VCF-style: chr1-103480068-C-T.
Other names: c.1454G>A, p.Arg485Gln (NM_001190709.2); c.1607G>A, p.Arg536Gln (NM_080629.3); c.1223G>A, p.Arg408Gln (NM_080630.4); short protein forms R408Q, R524Q, R485Q, R536Q.
Identifiers: ClinVar variation 1442048 (VCV001442048.6), dbSNP rs1045481406, ClinGen allele CA27739865.
Genomic context (GRCh38, chr1:103,014,512, plus strand): 5'-CATATATACTTGATACAGAGTCAGTCATCTTGTGGGAATGCAAGTTTATCCTGTCTTACC[C>T]GAGCCTGCTGAAGAATAGCTTGAGCCTGAGCTTCCTGAGCAGAGATGGTTGGTCCTTTGG-3'
Protein context (NP_001845.3, residues 514-534): AQAQAILQQA[Arg524Gln]IALRGPPGPM